The following is an entry in ClinVar:

ClinVar aggregate classification (germline): Uncertain significance. Review status: criteria provided, multiple submitters, no conflicts (2 of 4 stars). 2 submissions from 2 submitters: Uncertain significance (2). Last evaluated 2022-10-12.

Conditions:
Inborn genetic diseases. Identifiers: MedGen C0950123, MeSH D030342.

Allele frequency attached by ClinVar (database versions not stated): gnomAD 0.00001; TOPMed 0.00002; gnomAD exomes 0.00004.
gnomAD v4.1: 65 of 1,614,056 alleles (0.004%); highest among the groups gnomAD compares: Non-Finnish European, 0.0053%; no homozygotes.

Submissions (2):

Ambry Genetics
Classification: Uncertain significance for Inborn genetic diseases. Last evaluated: 2022-10-12. Review status: criteria provided, single submitter. Criteria: Ambry Variant Classification Scheme 2023. Collection method: clinical testing. Allele origin: germline.

Labcorp Genetics (formerly Invitae), Labcorp
Classification: Uncertain significance. Last evaluated: 2022-07-19. Review status: criteria provided, single submitter. Criteria: Invitae Variant Classification Sherloc (09022015). Collection method: clinical testing. Allele origin: germline.
Comment: In summary, the available evidence is currently insufficient to determine the role of this variant in disease. Therefore, it has been classified as a Variant of Uncertain Significance. Algorithms developed to predict the effect of sequence changes on RNA splicing suggest that this variant may create or strengthen a splice site. Algorithms developed to predict the effect of missense changes on protein structure and function (SIFT, PolyPhen-2, Align-GVGD) all suggest that this variant is likely to be tolerated. ClinVar contains an entry for this variant (Variation ID: 1442596). This variant has not been reported in the literature in individuals affected with CNNM4-related conditions. This variant is not present in population databases (gnomAD no frequency). This sequence change replaces methionine, which is neutral and non-polar, with arginine, which is basic and polar, at codon 740 of the CNNM4 protein (p.Met740Arg).

NM_020184.4(CNNM4):c.2219T>G (p.Met740Arg)

Gene: CNNM4 (cyclin and CBS domain divalent metal cation transport mediator 4; plus strand). Cytogenetic location: 2q11.2.
Variant type: single nucleotide variant.
Coding change: c.2219T>G on transcript NM_020184.4 (MANE Select); coding-DNA position 2219, T replaced by G.
Protein change: p.Met740Arg; replaces methionine 740 with arginine.
Molecular consequence: missense variant.
Genome position (GRCh38, 1-based): chr2:96,809,408, T>G. VCF-style: chr2-96809408-T-G. GRCh37 (hg19) VCF-style: chr2-97475145-T-G.
Other names: c.2219T>G (NM_020184.3); short protein forms M740R.
Identifiers: ClinVar variation 1442596 (VCV001442596.7), dbSNP rs1333027179, ClinGen allele CA347709837.